The following is an entry in ClinVar:

ClinVar aggregate classification (germline): Likely benign (1 of 4 stars; one submission).

Allele frequency attached by ClinVar (database versions not stated): 1000 Genomes Project 0.00459; gnomAD 0.00474 and 0.00511; 1000 Genomes Project 30x 0.00500; TOPMed 0.00554.
gnomAD v4.1: 715 of 152,156 alleles (0.47%); highest among the groups gnomAD compares: African/African-American, 1.6%; 4 homozygotes.

Submission:

GeneDx
Classification: Likely benign. Last evaluated: 2018-06-14. Review status: criteria provided, single submitter. Criteria: GeneDx Variant Classification (06012015). Collection method: clinical testing. Allele origin: germline. Affected: yes.
Comment: This variant is considered likely benign or benign based on one or more of the following criteria: it is a conservative change, it occurs at a poorly conserved position in the protein, it is predicted to be benign by multiple in silico algorithms, and/or has population frequency not consistent with disease.

NM_001035.3(RYR2):c.10936-229A>G

Gene: RYR2 (ryanodine receptor 2; plus strand). Cytogenetic location: 1q43.
Variant type: single nucleotide variant.
Coding change: c.10936-229A>G on transcript NM_001035.3 (MANE Select); 229 bases into the intron before coding-DNA position 10936, A replaced by G.
Molecular consequence: intron variant.
Genome position (GRCh38, 1-based): chr1:237,731,817, A>G. VCF-style: chr1-237731817-A-G. GRCh37 (hg19) VCF-style: chr1-237895117-A-G.
Identifiers: ClinVar variation 679479 (VCV000679479.1), dbSNP rs147396867, ClinGen allele CA39810483.